The following is an entry in ClinVar:

NM_020911.2(PLXNA4):c.1848A>C (p.Ala616=)

Gene: PLXNA4 (plexin A4; minus strand). Cytogenetic location: 7q32.3.
Variant type: single nucleotide variant.
Coding change: c.1848A>C on transcript NM_020911.2 (MANE Select); coding-DNA position 1848, A replaced by C.
Protein change: p.Ala616=; no amino-acid change (alanine 616 retained).
Molecular consequence: synonymous variant.
Genome position (GRCh38, 1-based): chr7:132,227,485, T>G on the plus strand (A>C on the coding strand, the complement: PLXNA4 is on the minus strand). VCF-style: chr7-132227485-T-G. GRCh37 (hg19) VCF-style: chr7-131912244-T-G.
Other names: c.1848A>C, p.Ala616= (NM_001393897.1).
Identifiers: ClinVar variation 4987211 (VCV004987211.1).
Genomic context (GRCh38, chr7:132,227,485, plus strand): 5'-CTCAGCTGTGCCTCCGGGATGCTCACCATTCTCTGTGATGATCCGGGGCACCTCCTTGGC[T>G]GCAGGGGAGTAGCACTGGATCTGATTGCCCACGACCAGCCCATCCATCTCTGACAGGTCC-3'
Protein context (NP_065962.1, residues 606-626): VGNQIQCYSP[Ala616=]AKEVPRIITE

ClinVar aggregate classification (germline): Likely benign (1 of 4 stars; one submission).

Conditions:
PLXNA4-related disorder. Also called: PLXNA4-related condition.

gnomAD v4.1: 4 of 1,614,088 alleles (0.00025%); highest among the groups gnomAD compares: African/African-American, 0.0053%; no homozygotes.

Submission:

PreventionGenetics, part of Exact Sciences
Classification: Likely benign for PLXNA4-related condition. Last evaluated: 2025-10-20. Review status: criteria provided, single submitter. Criteria: ACMG Guidelines, 2015. Collection method: clinical testing. Allele origin: germline.
Comment: This variant is classified as likely benign based on ACMG/AMP sequence variant interpretation guidelines (Richards et al. 2015 PMID: 25741868, with internal and published modifications).